The following is an entry in ClinVar:

NM_001134831.2(AHI1):c.2380A>G (p.Lys794Glu)

Gene: AHI1 (Abelson helper integration site 1; minus strand). Cytogenetic location: 6q23.3.
Variant type: single nucleotide variant.
Coding change: c.2380A>G on transcript NM_001134831.2 (MANE Select); coding-DNA position 2380, A replaced by G.
Protein change: p.Lys794Glu; replaces lysine 794 with glutamic acid.
Molecular consequence: missense variant.
Genome position (GRCh38, 1-based): chr6:135,429,994, T>C on the plus strand (A>G on the coding strand, the complement: AHI1 is on the minus strand). VCF-style: chr6-135429994-T-C. GRCh37 (hg19) VCF-style: chr6-135751132-T-C.
Other names: c.2380A>G (NM_017651.4); c.2380A>G, p.Lys794Glu (NM_001134830.2, NM_001134832.2, NM_001350503.2 and 2 more transcripts); short protein forms K794E.
Identifiers: ClinVar variation 1895879 (VCV001895879.5), dbSNP rs779574810, ClinGen allele CA4012383.

ClinVar aggregate classification (germline): Uncertain significance. Review status: criteria provided, multiple submitters, no conflicts (2 of 4 stars). 4 submissions from 4 submitters: Uncertain significance (4). Last evaluated 2026-03-03.

Conditions:
Inborn genetic diseases. Identifiers: MedGen C0950123, MeSH D030342.
Joubert syndrome 3 (JBTS3). Also called: AHI1-related Ciliopathy. Identifiers: Orphanet 220493, MedGen C1837713, MONDO:0012078, OMIM 608629.
Joubert syndrome. Also called: Familial aplasia of the vermis; JOUBERT-BOLTSHAUSER SYNDROME. Identifiers: Orphanet 475, MedGen C5979921, MONDO:0018772.

Allele frequency attached by ClinVar (database versions not stated): gnomAD exomes below 0.00001; ExAC 0.00002; gnomAD 0.00003; TOPMed 0.00006.
gnomAD v4.1: 10 of 1,521,468 alleles (0.00066%); highest among the groups gnomAD compares: African/African-American, 0.012%; no homozygotes.

Submissions (4):

Ambry Genetics
Classification: Uncertain significance for Inborn genetic diseases. Last evaluated: 2026-03-03. Review status: criteria provided, single submitter. Criteria: Ambry Variant Classification Scheme 2023. Collection method: clinical testing. Allele origin: germline.

Fulgent Genetics
Classification: Uncertain significance for Joubert syndrome 3. Last evaluated: 2024-06-20. Review status: criteria provided, single submitter. Criteria: ACMG Guidelines, 2015. Collection method: clinical testing. Allele origin: germline.

Blueprint Genetics
Classification: Uncertain significance. Last evaluated: 2023-06-22. Review status: criteria provided, single submitter. Criteria: ACMG Guidelines, 2015. Collection method: clinical testing. Allele origin: germline.

Labcorp Genetics (formerly Invitae), Labcorp
Classification: Uncertain significance for Joubert syndrome. Last evaluated: 2022-07-30. Review status: criteria provided, single submitter. Criteria: Invitae Variant Classification Sherloc (09022015). Collection method: clinical testing. Allele origin: germline.
Comment: This sequence change replaces lysine, which is basic and polar, with glutamic acid, which is acidic and polar, at codon 794 of the AHI1 protein (p.Lys794Glu). This variant is present in population databases (rs779574810, gnomAD 0.02%). This variant has not been reported in the literature in individuals affected with AHI1-related conditions. Advanced modeling of protein sequence and biophysical properties (such as structural, functional, and spatial information, amino acid conservation, physicochemical variation, residue mobility, and thermodynamic stability) performed at Invitae indicates that this missense variant is not expected to disrupt AHI1 protein function. In summary, the available evidence is currently insufficient to determine the role of this variant in disease. Therefore, it has been classified as a Variant of Uncertain Significance.